The following is an entry in ClinVar:

ClinVar aggregate classification (germline): Conflicting classifications of pathogenicity. Review status: criteria provided, conflicting classifications (1 of 4 stars). 3 submissions from 3 submitters: Uncertain significance (2); Likely benign (1). Last evaluated 2025-11-20.

Allele frequency attached by ClinVar (database versions not stated): gnomAD 0.00001 and 0.00002; TOPMed 0.00002; gnomAD exomes 0.00004 and 0.00005; ExAC 0.00005.
gnomAD v4.1: 57 of 1,613,984 alleles (0.0035%); highest among the groups gnomAD compares: East Asian, 0.027%; no homozygotes.

Submissions (3):

Ambry Genetics
Classification: Uncertain significance. Last evaluated: 2025-11-20. Review status: criteria provided, single submitter. Criteria: Ambry Variant Classification Scheme 2023. Collection method: clinical testing. Allele origin: germline.

Laboratory of Genetics, Children's Clinical University Hospital Latvia
Classification: Likely benign. Last evaluated: 2025-02-16. Review status: criteria provided, single submitter. Criteria: ACMG Guidelines, 2015. Collection method: clinical testing. Allele origin: germline. Affected: yes.

Labcorp Genetics (formerly Invitae), Labcorp
Classification: Uncertain significance. Last evaluated: 2024-07-31. Review status: criteria provided, single submitter. Criteria: Invitae Variant Classification Sherloc (09022015). Collection method: clinical testing. Allele origin: germline.
Comment: This sequence change replaces arginine, which is basic and polar, with glutamine, which is neutral and polar, at codon 341 of the TAOK2 protein (p.Arg341Gln). This variant is present in population databases (rs766814244, gnomAD 0.03%). This variant has not been reported in the literature in individuals affected with TAOK2-related conditions. ClinVar contains an entry for this variant (Variation ID: 1521346). An algorithm developed to predict the effect of missense changes on protein structure and function (PolyPhen-2) suggests that this variant is likely to be tolerated. In summary, the available evidence is currently insufficient to determine the role of this variant in disease. Therefore, it has been classified as a Variant of Uncertain Significance.

NM_016151.4(TAOK2):c.1022G>A (p.Arg341Gln)

Gene: TAOK2 (TAO kinase 2; plus strand). Cytogenetic location: 16p11.2.
Variant type: single nucleotide variant.
Coding change: c.1022G>A on transcript NM_016151.4 (MANE Select); coding-DNA position 1022, G replaced by A.
Protein change: p.Arg341Gln; replaces arginine 341 with glutamine.
Molecular consequence: missense variant.
Genome position (GRCh38, 1-based): chr16:29,983,094, G>A. VCF-style: chr16-29983094-G-A. GRCh37 (hg19) VCF-style: chr16-29994415-G-A.
Other names: c.1022G>A, p.Arg341Gln (NM_001252043.2, NM_004783.4); c.1022G>A (NM_016151.2); short protein forms R341Q.
Identifiers: ClinVar variation 1521346 (VCV001521346.10), dbSNP rs766814244, ClinGen allele CA7998029.